The following is an entry in ClinVar:

ClinVar aggregate classification (germline): Likely benign (1 of 4 stars; one submission).

Submission:

CeGaT Center for Human Genetics Tuebingen
Classification: Likely benign. Last evaluated: 2025-11-01. Review status: criteria provided, single submitter. Criteria: CeGaT Center For Human Genetics Tuebingen Variant Classification Criteria Version 2. Collection method: clinical testing. Allele origin: germline. Affected: yes. Observed: 1 variant allele.
Comment: RPGR: PM2:Supporting, BP4, BP7

NM_000328.3(RPGR):c.2433C>T (p.Ser811=)

Gene: RPGR (retinitis pigmentosa GTPase regulator; minus strand). Cytogenetic location: Xp11.4.
Variant type: single nucleotide variant.
Coding change: c.2433C>T on transcript NM_000328.3; coding-DNA position 2433, C replaced by T.
Protein change: p.Ser811=; no amino-acid change (serine 811 retained).
Molecular consequence: synonymous variant. On other transcripts: non-coding transcript variant (6).
Genome position (GRCh38, 1-based): chrX:38,269,641, G>A on the plus strand (C>T on the coding strand, the complement: RPGR is on the minus strand). VCF-style: chrX-38269641-G-A. GRCh37 (hg19) VCF-style: chrX-38128894-G-A.
Other names: c.2430C>T, p.Ser810= (NM_001367245.1); c.2247C>T, p.Ser749= (NM_001367246.1); c.2100C>T, p.Ser700= (NM_001367247.1); c.2130C>T, p.Ser710= (NM_001367248.1); c.2097C>T, p.Ser699= (NM_001367249.1, NM_001367250.1); c.1914C>T, p.Ser638= (NM_001367251.1).
Identifiers: ClinVar variation 4534588 (VCV004534588.6).